The following is an entry in ClinVar:

ClinVar aggregate classification (germline): Uncertain significance (1 of 4 stars; one submission).

Conditions:
Colorectal cancer, susceptibility to, 12 (CRCS12). Also called: COLORECTAL CANCER, SUSCEPTIBILITY TO, ON CHROMOSOME 12q24. Identifiers: Orphanet 220460, MedGen C3554460, MONDO:0014038, OMIM 615083.

Submission:

St. Jude Molecular Pathology, St. Jude Children's Research Hospital
Classification: Uncertain significance for Colorectal cancer, susceptibility to, 12. Last evaluated: 2023-09-08. Review status: criteria provided, single submitter. Criteria: St. Jude Assertion Criteria 2020. Collection method: clinical testing. Allele origin: germline.
Comment: The POLE c.3494A>C (p.Asp1165Ala) missense change is absent in gnomAD v2.1.1. The in silico tool REVEL is inconclusive about a pathogenic or benign effect of this variant on protein function, and to our knowledge functional studies have not been performed. To our knowledge, this variant has not been reported in the literature in individuals with POLE-related disease. In summary, the evidence currently available is insufficient to determine the clinical significance of this variant. It has therefore been classified as of uncertain significance.

NM_006231.4(POLE):c.3494A>C (p.Asp1165Ala)

Gene: POLE (DNA polymerase epsilon, catalytic subunit; minus strand). Cytogenetic location: 12q24.33.
Variant type: single nucleotide variant.
Coding change: c.3494A>C on transcript NM_006231.4 (MANE Select); coding-DNA position 3494, A replaced by C.
Protein change: p.Asp1165Ala; replaces aspartic acid 1165 with alanine.
Molecular consequence: missense variant.
Genome position (GRCh38, 1-based): chr12:132,657,224, T>G on the plus strand (A>C on the coding strand, the complement: POLE is on the minus strand). VCF-style: chr12-132657224-T-G. GRCh37 (hg19) VCF-style: chr12-133233810-T-G.
Other names: short protein forms D1165A.
Identifiers: ClinVar variation 2663988 (VCV002663988.1), dbSNP rs2541999568, ClinGen allele CA387388665.
Genomic context (GRCh38, chr12:132,657,224, plus strand): 5'-TCACTGATCTTCTTCTGCTTGTAGACATCATTCTTCTCCAGCAGTTTTTTGTGCAGCCAG[T>G]CGGGGTGTTTGACACGTGGCACTGGGTTCTTTACCTGTGTGAGGCCAACACCCATCAGAG-3'
Protein context (NP_006222.2, residues 1155-1175): KNPVPRVKHP[Asp1165Ala]WLHKKLLEKN